The following is an entry in ClinVar:

NM_000143.4(FH):c.13C>T (p.Leu5Phe)

Gene: FH (fumarate hydratase; minus strand). Cytogenetic location: 1q43.
Variant type: single nucleotide variant.
Coding change: c.13C>T on transcript NM_000143.4 (MANE Select); coding-DNA position 13, C replaced by T.
Protein change: p.Leu5Phe; replaces leucine 5 with phenylalanine.
Molecular consequence: missense variant.
Genome position (GRCh38, 1-based): chr1:241,519,710, G>A on the plus strand (C>T on the coding strand, the complement: FH is on the minus strand). VCF-style: chr1-241519710-G-A. GRCh37 (hg19) VCF-style: chr1-241683010-G-A.
Other names: short protein forms L5F.
Identifiers: ClinVar variation 485567 (VCV000485567.10), dbSNP rs1553342165, ClinGen allele CA345443088.

ClinVar aggregate classification (germline): Uncertain significance. Review status: criteria provided, multiple submitters, no conflicts (2 of 4 stars). 3 submissions from 3 submitters: Uncertain significance (3). Last evaluated 2026-04-03.

Conditions:
Hereditary cancer-predisposing syndrome. Also called: Tumor predisposition; Hereditary neoplastic syndrome; Neoplastic Syndromes, Hereditary; Hereditary Cancer Syndrome. Identifiers: Orphanet 140162, MedGen C0027672, MeSH D009386, MONDO:0015356.

Submissions (3):

Ambry Genetics
Classification: Uncertain significance for Hereditary cancer-predisposing syndrome. Last evaluated: 2026-04-03. Review status: criteria provided, single submitter. Criteria: Ambry Variant Classification Scheme 2023. Collection method: clinical testing. Allele origin: germline.
Comment: The p.L5F variant (also known as c.13C>T), located in coding exon 1 of the FH gene, results from a C to T substitution at nucleotide position 13. The leucine at codon 5 is replaced by phenylalanine, an amino acid with highly similar properties. This amino acid position is not well conserved in available vertebrate species. In addition, the in silico prediction for this alteration is inconclusive. Based on the available evidence, the clinical significance of this variant remains unclear.

Labcorp Genetics (formerly Invitae), Labcorp
Classification: Uncertain significance. Last evaluated: 2026-01-26. Review status: criteria provided, single submitter. Criteria: Invitae Variant Classification Sherloc (09022015). Collection method: clinical testing. Allele origin: germline.
Comment: This sequence change replaces leucine, which is neutral and non-polar, with phenylalanine, which is neutral and non-polar, at codon 5 of the FH protein (p.Leu5Phe). This variant is not present in population databases (gnomAD no frequency). This variant has not been reported in the literature in individuals affected with FH-related conditions. ClinVar contains an entry for this variant (Variation ID: 485567). Invitae Evidence Modeling of protein sequence and biophysical properties (such as structural, functional, and spatial information, amino acid conservation, physicochemical variation, residue mobility, and thermodynamic stability) indicates that this missense variant is not expected to disrupt FH protein function with a negative predictive value of 95%. In summary, the available evidence is currently insufficient to determine the role of this variant in disease. Therefore, it has been classified as a Variant of Uncertain Significance.

GeneDx
Classification: Uncertain significance. Last evaluated: 2024-04-11. Review status: criteria provided, single submitter. Criteria: GeneDx Variant Classification Process June 2021. Collection method: clinical testing. Allele origin: germline. Affected: yes.
Comment: Not observed at significant frequency in large population cohorts (gnomAD); In silico analysis indicates that this missense variant does not alter protein structure/function; Has not been previously published as pathogenic or benign to our knowledge